The following is an entry in ClinVar:

NM_001457.4(FLNB):c.1081G>T (p.Gly361Cys)

Gene: FLNB (filamin B; plus strand). Cytogenetic location: 3p14.3.
Variant type: single nucleotide variant.
Coding change: c.1081G>T on transcript NM_001457.4 (MANE Select); coding-DNA position 1081, G replaced by T.
Protein change: p.Gly361Cys; replaces glycine 361 with cysteine.
Molecular consequence: missense variant.
Genome position (GRCh38, 1-based): chr3:58,097,911, G>T. VCF-style: chr3-58097911-G-T. GRCh37 (hg19) VCF-style: chr3-58083638-G-T.
Other names: c.1081G>T, p.Gly361Cys (NM_001164317.2, NM_001164318.2, NM_001164319.2); c.1081G>T (NM_001457.3); short protein forms G361C.
Identifiers: ClinVar variation 4531201 (VCV004531201.2).

ClinVar aggregate classification (germline): Conflicting classifications of pathogenicity. Review status: criteria provided, conflicting classifications (1 of 4 stars). 2 submissions from 2 submitters: Likely pathogenic (1); Uncertain significance (1). Last evaluated 2025-09-17.

Conditions:
Larsen syndrome (LRS). Also called: Bilateral dislocation of the knees, pes cavus, cylindrically shaped fingers and characteristic facies; Larsen syndrome (FLNB-LS). Identifiers: Orphanet 503, MedGen C0175778, MONDO:0007875, OMIM 150250. Disease mechanism: loss of function.
FLNB-related disorder. Also called: FLNB-related condition; FLNB-related disorders. Identifiers: MedGen CN381095.

Submissions (2):

PreventionGenetics, part of Exact Sciences
Classification: Uncertain significance for FLNB-related condition. Last evaluated: 2025-09-17. Review status: criteria provided, single submitter. Criteria: ACMG Guidelines, 2015. Collection method: clinical testing. Allele origin: germline.
Comment: The FLNB c.1081G>T variant is predicted to result in the amino acid substitution p.Gly361Cys. This variant has been reported in an individual with Larsen syndrome (Daniel et al. 2012. PubMed ID: 22190451). Alternate missense substitutions at the same amino acid position (p.Gly361Ser, and p.Gly361Asp) have also been reported in individuals affected with FLNB-related disorder(s) (Daniel et al. 2012. PubMed ID: 22190451; Bicknell et al. 2006. PubMed ID: 16801345; Cornthwaite et al. 2022. PubMed ID: 36068917; Table S1, Schmidt et al. 2024. PubMed ID: 39039281). The c.1081G>T (p.Gly361Cys) variant has not been reported in a large population database (gnomAD), indicating this variant is rare. Although we suspect that this variant may be pathogenic, at this time, the clinical significance of this variant is uncertain due to the absence of conclusive functional and genetic evidence.

Juno Genomics, Hangzhou Juno Genomics, Inc
Classification: Likely pathogenic for Larsen syndrome. Review status: criteria provided, single submitter. Criteria: ACMG Guidelines, 2015. Collection method: clinical testing. Allele origin: germline. Affected: yes.
Comment: Absent from controls (or at extremely low frequency if recessive) in Genome Aggregation Database.;Multiple lines of computational evidence support a deleterious effect on the gene or gene product.;Missense variant in a gene that has a low rate of benign missense variation.;Novel missense change at an amino acid residue where a different missense change determined to be pathogenic has been seen before.;The prevalence of the variant in affected individuals is significantly increased compared to the prevalence in controls.;Patient's phenotype or family history is highly specific for a disease with a single genetic etiology.;De novo (both maternity and paternity confirmed) in a patient with the disease and no family history.